The following is an entry in ClinVar:

ClinVar aggregate classification (germline): Uncertain significance (1 of 4 stars; one submission).

Allele frequency attached by ClinVar (database versions not stated): TOPMed below 0.00001; gnomAD 0.00001.
gnomAD v4.1: 3 of 1,613,760 alleles (0.00019%); highest among the groups gnomAD compares: East Asian, 0.0067%; no homozygotes.

Submission:

Labcorp Genetics (formerly Invitae), Labcorp
Classification: Uncertain significance. Last evaluated: 2022-07-19. Review status: criteria provided, single submitter. Criteria: Invitae Variant Classification Sherloc (09022015). Collection method: clinical testing. Allele origin: germline.
Comment: This variant has not been reported in the literature in individuals affected with LCT-related conditions. This variant is present in population databases (no rsID available, gnomAD 0.02%). This sequence change replaces leucine, which is neutral and non-polar, with phenylalanine, which is neutral and non-polar, at codon 217 of the LCT protein (p.Leu217Phe). Algorithms developed to predict the effect of missense changes on protein structure and function are either unavailable or do not agree on the potential impact of this missense change (SIFT: "Not Available"; PolyPhen-2: "Probably Damaging"; Align-GVGD: "Not Available"). In summary, the available evidence is currently insufficient to determine the role of this variant in disease. Therefore, it has been classified as a Variant of Uncertain Significance.

NM_002299.4(LCT):c.649C>T (p.Leu217Phe)

Gene: LCT (lactase; minus strand). Cytogenetic location: 2q21.3.
Variant type: single nucleotide variant.
Coding change: c.649C>T on transcript NM_002299.4 (MANE Select); coding-DNA position 649, C replaced by T.
Protein change: p.Leu217Phe; replaces leucine 217 with phenylalanine.
Molecular consequence: missense variant.
Genome position (GRCh38, 1-based): chr2:135,833,182, G>A on the plus strand (C>T on the coding strand, the complement: LCT is on the minus strand). VCF-style: chr2-135833182-G-A. GRCh37 (hg19) VCF-style: chr2-136590752-G-A.
Other names: short protein forms L217F.
Identifiers: ClinVar variation 1970102 (VCV001970102.5), dbSNP rs767592359, ClinGen allele CA348608857.